The following is an entry in ClinVar:

NM_001041.4(SI):c.3743C>T (p.Ala1248Val)

Gene: SI (sucrase-isomaltase; minus strand). Cytogenetic location: 3q26.1.
Variant type: single nucleotide variant.
Coding change: c.3743C>T on transcript NM_001041.4 (MANE Select); coding-DNA position 3743, C replaced by T.
Protein change: p.Ala1248Val; replaces alanine 1248 with valine.
Molecular consequence: missense variant.
Genome position (GRCh38, 1-based): chr3:165,017,564, G>A on the plus strand (C>T on the coding strand, the complement: SI is on the minus strand). VCF-style: chr3-165017564-G-A. GRCh37 (hg19) VCF-style: chr3-164735352-G-A.
Other names: short protein forms A1248V.
Identifiers: ClinVar variation 1434508 (VCV001434508.8), dbSNP rs2108174942, ClinGen allele CA355037480.
Genomic context (GRCh38, chr3:165,017,564, plus strand): 5'-TACGTATTCCATATTTAACATTGTTTTAAAATTGATATACATACATAGGGGATGTTAGCA[G>A]CCACCATAGCGTCATATAATTCCCGAACCTCTGAAGTATTTGCATATCCATAACGACATA-3'
Protein context (NP_001032.2, residues 1238-1258): EVRELYDAMV[Ala1248Val]ANIPYDVQYT

ClinVar aggregate classification (germline): Uncertain significance (1 of 4 stars; one submission).

Submission:

Labcorp Genetics (formerly Invitae), Labcorp
Classification: Uncertain significance. Last evaluated: 2022-09-01. Review status: criteria provided, single submitter. Criteria: Invitae Variant Classification Sherloc (09022015). Collection method: clinical testing. Allele origin: germline.
Comment: In summary, the available evidence is currently insufficient to determine the role of this variant in disease. Therefore, it has been classified as a Variant of Uncertain Significance. Algorithms developed to predict the effect of missense changes on protein structure and function are either unavailable or do not agree on the potential impact of this missense change (SIFT: "Deleterious"; PolyPhen-2: "Benign"; Align-GVGD: "Class C0"). ClinVar contains an entry for this variant (Variation ID: 1434508). This variant has not been reported in the literature in individuals affected with SI-related conditions. This variant is not present in population databases (gnomAD no frequency). This sequence change replaces alanine, which is neutral and non-polar, with valine, which is neutral and non-polar, at codon 1248 of the SI protein (p.Ala1248Val).